The following is an entry in ClinVar:

NM_182643.3(DLC1):c.2331G>A (p.Glu777=)

Gene: DLC1 (DLC1 Rho GTPase activating protein; minus strand). Cytogenetic location: 8p22.
Variant type: single nucleotide variant.
Coding change: c.2331G>A on transcript NM_182643.3 (MANE Select); coding-DNA position 2331, G replaced by A.
Protein change: p.Glu777=; no amino-acid change (glutamic acid 777 retained).
Molecular consequence: synonymous variant.
Genome position (GRCh38, 1-based): chr8:13,100,006, C>T on the plus strand (G>A on the coding strand, the complement: DLC1 is on the minus strand). VCF-style: chr8-13100006-C-T. GRCh37 (hg19) VCF-style: chr8-12957515-C-T.
Other names: c.2331G>A (NM_182643.2); c.798G>A, p.Glu266= (NM_001164271.2, NM_001348082.2, NM_001348083.1 and 6 more transcripts); c.1122G>A, p.Glu374= (NM_001316668.2, NM_001413129.1); c.2331G>A, p.Glu777= (NM_001348081.2, NM_001413124.1); c.1113G>A, p.Glu371= (NM_001413130.1); c.771G>A, p.Glu257= (NM_001413131.1, NM_001413137.1); c.1257G>A, p.Glu419= (NM_001413132.1); c.1020G>A, p.Glu340= (NM_001413135.1, NM_001413136.1, NM_001413139.1 and 1 more transcripts); and 1 more.
Identifiers: ClinVar variation 2974120 (VCV002974120.5), dbSNP rs892538546, ClinGen allele CA172197554.
Genomic context (GRCh38, chr8:13,100,006, plus strand): 5'-GTTCTTAAAGTTCTGCTCCACCACGTTGTTAAATGTTGACTGATTGAAAGGATCGAAGCC[C>T]TCTAAGTACATGCCCACCCGCTTGTTGCACGCACTGAGGCTCCGGGTCCTCGTAACAGGG-3'
Protein context (NP_872584.2, residues 767-787): ACNKRVGMYL[Glu777=]GFDPFNQSTF

ClinVar aggregate classification (germline): Likely benign. Review status: criteria provided, single submitter (1 of 4 stars). 2 submissions from 2 submitters: Likely benign (1). 1 of the submissions does not count toward it. Last evaluated 2026-01-11.

Conditions:
DLC1-related disorder. Also called: DLC1-related condition.

Allele frequency attached by ClinVar (database versions not stated): gnomAD exomes below 0.00001; gnomAD 0.00003; TOPMed 0.00003.
gnomAD v4.1: 10 of 1,612,560 alleles (0.00062%); highest among the groups gnomAD compares: African/African-American, 0.011%; no homozygotes.

Submissions (2):

Labcorp Genetics (formerly Invitae), Labcorp
Classification: Likely benign. Last evaluated: 2026-01-11. Review status: criteria provided, single submitter. Criteria: Invitae Variant Classification Sherloc (09022015). Collection method: clinical testing. Allele origin: germline.

PreventionGenetics, part of Exact Sciences
Classification: Likely benign for DLC1-related condition. Last evaluated: 2022-04-27. Review status: no assertion criteria provided. Collection method: clinical testing. Allele origin: germline. Not counted in ClinVar's aggregate classification.
Comment: This variant is classified as likely benign based on ACMG/AMP sequence variant interpretation guidelines (Richards et al. 2015 PMID: 25741868, with internal and published modifications).